The following is an entry in ClinVar:

NM_014915.3(ANKRD26):c.5071G>T (p.Asp1691Tyr)

Gene: ANKRD26 (ankyrin repeat domain containing 26; minus strand). Cytogenetic location: 10p12.1.
Variant type: single nucleotide variant.
Coding change: c.5071G>T on transcript NM_014915.3 (MANE Select); coding-DNA position 5071, G replaced by T.
Protein change: p.Asp1691Tyr; replaces aspartic acid 1691 with tyrosine.
Molecular consequence: missense variant.
Genome position (GRCh38, 1-based): chr10:27,005,652, C>A on the plus strand (G>T on the coding strand, the complement: ANKRD26 is on the minus strand). VCF-style: chr10-27005652-C-A. GRCh37 (hg19) VCF-style: chr10-27294581-C-A.
Other names: c.5068G>T, p.Asp1690Tyr (NM_001256053.2); short protein forms D1690Y, D1691Y.
Identifiers: ClinVar variation 3870622 (VCV003870622.1).

ClinVar aggregate classification (germline): Uncertain significance (1 of 4 stars; one submission).

Conditions:
Inborn genetic diseases. Identifiers: MedGen C0950123, MeSH D030342.

gnomAD v4.1: 7 of 1,613,086 alleles (0.00043%); highest among the groups gnomAD compares: South Asian, 0.0077%; no homozygotes.

Submission:

Ambry Genetics
Classification: Uncertain significance for Inborn genetic diseases. Last evaluated: 2025-01-20. Review status: criteria provided, single submitter. Criteria: Ambry Variant Classification Scheme 2023. Collection method: clinical testing. Allele origin: germline.
Comment: The p.D1691Y variant (also known as c.5071G>T), located in coding exon 34 of the ANKRD26 gene, results from a G to T substitution at nucleotide position 5071. The aspartic acid at codon 1691 is replaced by tyrosine, an amino acid with highly dissimilar properties. This amino acid position is conserved. In addition, the in silico prediction for this alteration is inconclusive. Based on the available evidence, the clinical significance of this variant remains unclear.